The following is an entry in ClinVar:

ClinVar aggregate classification (germline): Uncertain significance (1 of 4 stars; one submission).

Conditions:
Combined oxidative phosphorylation defect type 27. Also called: Combined oxidative phosphorylation deficiency 27. Identifiers: Orphanet 477774, MedGen C5567608, MONDO:0014728, OMIM 616672.

Submission:

Labcorp Genetics (formerly Invitae), Labcorp
Classification: Uncertain significance for Combined oxidative phosphorylation defect type 27. Last evaluated: 2022-08-03. Review status: criteria provided, single submitter. Criteria: Invitae Variant Classification Sherloc (09022015). Collection method: clinical testing. Allele origin: germline.
Comment: This sequence change replaces arginine, which is basic and polar, with leucine, which is neutral and non-polar, at codon 48 of the CARS2 protein (p.Arg48Leu). The frequency data for this variant in the population databases is considered unreliable, as metrics indicate poor data quality at this position in the gnomAD database. This variant has not been reported in the literature in individuals affected with CARS2-related conditions. Algorithms developed to predict the effect of missense changes on protein structure and function (SIFT, PolyPhen-2, Align-GVGD) all suggest that this variant is likely to be tolerated. In summary, the available evidence is currently insufficient to determine the role of this variant in disease. Therefore, it has been classified as a Variant of Uncertain Significance.

NM_024537.4(CARS2):c.143G>T (p.Arg48Leu)

Genes: CARS2 (cysteinyl-tRNA synthetase 2, mitochondrial; minus strand), LOC130010127 (ATAC-STARR-seq lymphoblastoid silent region 5509; plus strand). Cytogenetic location: 13q34.
Variant type: single nucleotide variant.
Coding change: c.143G>T on transcript NM_024537.4 (MANE Select); coding-DNA position 143, G replaced by T.
Protein change: p.Arg48Leu; replaces arginine 48 with leucine.
Molecular consequence: missense variant. On other transcripts: non-coding transcript variant (1), intron variant (1).
Genome position (GRCh38, 1-based): chr13:110,705,951, C>A on the plus strand (G>T on the coding strand, the complement: CARS2 is on the minus strand). VCF-style: chr13-110705951-C-A. GRCh37 (hg19) VCF-style: chr13-111358298-C-A.
Other names: c.143G>T, p.Arg48Leu (NM_001352253.3); c.-775-380G>T (NM_001352252.2); short protein forms R48L.
Identifiers: ClinVar variation 1714888 (VCV001714888.6), dbSNP rs867920270, ClinGen allele CA256331049.